The following is an entry in ClinVar:

ClinVar aggregate classification (germline): Uncertain significance (1 of 4 stars; one submission).

Allele frequency attached by ClinVar (database versions not stated): gnomAD exomes 0.00001 and 0.00002.
gnomAD v4.1: 26 of 1,613,888 alleles (0.0016%); highest among the groups gnomAD compares: Non-Finnish European, 0.0022%; no homozygotes.

Submission:

Labcorp Genetics (formerly Invitae), Labcorp
Classification: Uncertain significance. Last evaluated: 2025-08-21. Review status: criteria provided, single submitter. Criteria: Invitae Variant Classification Sherloc (09022015). Collection method: clinical testing. Allele origin: germline.
Comment: This sequence change replaces glutamic acid, which is acidic and polar, with valine, which is neutral and non-polar, at codon 3158 of the CDH23 protein (p.Glu3158Val). This variant is present in population databases (no rsID available, gnomAD 0.002%). This variant has not been reported in the literature in individuals affected with CDH23-related conditions. ClinVar contains an entry for this variant (Variation ID: 1363549). Invitae Evidence Modeling of protein sequence and biophysical properties (such as structural, functional, and spatial information, amino acid conservation, physicochemical variation, residue mobility, and thermodynamic stability) has been performed for this missense variant. However, the output from this modeling did not meet the statistical confidence thresholds required to predict the impact of this variant on CDH23 protein function. In summary, the available evidence is currently insufficient to determine the role of this variant in disease. Therefore, it has been classified as a Variant of Uncertain Significance.

NM_022124.6(CDH23):c.9473A>T (p.Glu3158Val)

Gene: CDH23 (cadherin related 23; plus strand). Cytogenetic location: 10q22.1.
Variant type: single nucleotide variant.
Coding change: c.9473A>T on transcript NM_022124.6 (MANE Select); coding-DNA position 9473, A replaced by T.
Protein change: p.Glu3158Val; replaces glutamic acid 3158 with valine.
Molecular consequence: missense variant.
Genome position (GRCh38, 1-based): chr10:71,812,572, A>T. VCF-style: chr10-71812572-A-T. GRCh37 (hg19) VCF-style: chr10-73572329-A-T.
Other names: c.2753A>T, p.Glu918Val (NM_001171933.1, NM_001171934.1); c.164A>T, p.Glu55Val (NM_001171935.1, NM_001171936.1); short protein forms E918V, E3158V, E55V.
Identifiers: ClinVar variation 1363549 (VCV001363549.6), dbSNP rs894521631, ClinGen allele CA209444187.